The following is an entry in ClinVar:

NM_001291303.3(FAT4):c.6344A>G (p.Glu2115Gly)

Gene: FAT4 (FAT atypical cadherin 4; plus strand). Cytogenetic location: 4q28.1.
Variant type: single nucleotide variant.
Coding change: c.6344A>G on transcript NM_001291303.3 (MANE Select); coding-DNA position 6344, A replaced by G.
Protein change: p.Glu2115Gly; replaces glutamic acid 2115 with glycine.
Molecular consequence: missense variant.
Genome position (GRCh38, 1-based): chr4:125,415,307, A>G. VCF-style: chr4-125415307-A-G. GRCh37 (hg19) VCF-style: chr4-126336462-A-G.
Other names: c.6344A>G, p.Glu2115Gly (NM_001291285.3, NM_024582.6); short protein forms E2115G.
Identifiers: ClinVar variation 3609349 (VCV003609349.2).

ClinVar aggregate classification (germline): Uncertain significance (1 of 4 stars; one submission).

Submission:

Labcorp Genetics (formerly Invitae), Labcorp
Classification: Uncertain significance. Last evaluated: 2024-06-26. Review status: criteria provided, single submitter. Criteria: Invitae Variant Classification Sherloc (09022015). Collection method: clinical testing. Allele origin: germline.
Comment: This sequence change replaces glutamic acid, which is acidic and polar, with glycine, which is neutral and non-polar, at codon 2115 of the FAT4 protein (p.Glu2115Gly). This variant is not present in population databases (gnomAD no frequency). This variant has not been reported in the literature in individuals affected with FAT4-related conditions. Advanced modeling of protein sequence and biophysical properties (such as structural, functional, and spatial information, amino acid conservation, physicochemical variation, residue mobility, and thermodynamic stability) has been performed at Invitae for this missense variant, however the output from this modeling did not meet the statistical confidence thresholds required to predict the impact of this variant on FAT4 protein function. In summary, the available evidence is currently insufficient to determine the role of this variant in disease. Therefore, it has been classified as a Variant of Uncertain Significance.